The following is an entry in ClinVar:

NM_001267550.2(TTN):c.22034_22037del (p.Gln7345fs)

Gene: TTN (titin; minus strand). Cytogenetic location: 2q31.2.
Variant type: Deletion.
Coding change: c.22034_22037del on transcript NM_001267550.2 (MANE Select); coding-DNA positions 22034 to 22037, 4 bases deleted (AAGT; older notation c.22034_22037delAAGT).
Protein change: p.Gln7345fs; shifts the reading frame from glutamine 7345.
Molecular consequence: frameshift variant. On other transcripts: intron variant (3).
Genome position (GRCh38, 1-based): chr2:178,722,862-178,722,865, ACTT deleted on the plus strand (AAGT on the coding strand, the reverse complement: TTN is on the minus strand). VCF-style (leftmost placement, unchanged base first): chr2-178722861-AACTT-A. GRCh37 (hg19) VCF-style: chr2-179587588-AACTT-A.
Other names: c.21083_21086del, p.Gln7028fs (NM_001256850.1); c.18302_18305del, p.Gln6101fs (NM_133378.4); c.13282+15217_13282+15220del (NM_003319.4); c.13858+15217_13858+15220del (NM_133437.4); c.13657+15217_13657+15220del (NM_133432.3); short protein forms Q6101fs, Q7028fs, Q7345fs.
Identifiers: ClinVar variation 2942682 (VCV002942682.3), dbSNP rs2529519437, ClinGen allele CA2740096256.

ClinVar aggregate classification (germline): Likely pathogenic (1 of 4 stars; one submission).

Conditions:
Dilated cardiomyopathy 1G (CMD1G). Identifiers: Orphanet 154, MedGen C1858763, MONDO:0011400, OMIM 604145.
Autosomal recessive limb-girdle muscular dystrophy type 2J (LGMDR10). Also called: MUSCULAR DYSTROPHY, LIMB-GIRDLE, AUTOSOMAL RECESSIVE 10; Limb-girdle muscular dystrophy, type 2J. Identifiers: Orphanet 140922, MedGen C1837342, MONDO:0012127, OMIM 608807.

Submission:

Labcorp Genetics (formerly Invitae), Labcorp
Classification: Likely pathogenic for Dilated cardiomyopathy 1G; Autosomal recessive limb-girdle muscular dystrophy type 2J. Last evaluated: 2024-10-18. Review status: criteria provided, single submitter. Criteria: Invitae Variant Classification Sherloc (09022015). Collection method: clinical testing. Allele origin: germline.
Comment: This sequence change creates a premature translational stop signal (p.Gln7345Leufs*40) in the TTN gene. While this is not anticipated to result in nonsense mediated decay, it is expected to create a truncated TTN protein. This variant is not present in population databases (gnomAD no frequency). This variant has not been reported in the literature in individuals affected with TTN-related conditions. This variant is located in the I band of TTN (PMID: 25589632). Truncating variants in this region have been reported in individuals affected with autosomal recessive centronuclear myopathy (PMID: 23975875, internal data). Truncating variants in this region have also been identified in individuals affected with autosomal dominant dilated cardiomyopathy and/or cardio-related conditions (PMID: 27869827, 32964742, internal data). In summary, the currently available evidence indicates that the variant is pathogenic, but additional data are needed to prove that conclusively. Therefore, this variant has been classified as Likely Pathogenic.

Literature cited by the submitters: PubMed 25589632; PubMed 23975875; PubMed 27869827; PubMed 32964742.